The following is an entry in ClinVar:

NM_000789.4(ACE):c.2754G>A (p.Arg918=)

Gene: ACE (angiotensin I converting enzyme; plus strand). Cytogenetic location: 17q23.3.
Variant type: single nucleotide variant.
Coding change: c.2754G>A on transcript NM_000789.4 (MANE Select); coding-DNA position 2754, G replaced by A.
Protein change: p.Arg918=; no amino-acid change (arginine 918 retained).
Molecular consequence: synonymous variant.
Genome position (GRCh38, 1-based): chr17:63,491,223, G>A. VCF-style: chr17-63491223-G-A. GRCh37 (hg19) VCF-style: chr17-61568584-G-A.
Other names: c.1032G>A, p.Arg344= (NM_001178057.2, NM_152830.3).
Identifiers: ClinVar variation 324406 (VCV000324406.9), dbSNP rs145809210, ClinGen allele CA8700256.

ClinVar aggregate classification (germline): Conflicting classifications of pathogenicity. Review status: criteria provided, conflicting classifications (1 of 4 stars). 3 submissions from 3 submitters: Uncertain significance (1); Benign (1). 1 of the submissions does not count toward it. Last evaluated 2025-12-06.

Conditions:
Renal tubular dysgenesis. Also called: Renotubular dysgenesis. Identifiers: Orphanet 3033, MedGen C0266313, MONDO:0017609, HP:0008660.
ACE-related disorder. Also called: ACE-related condition; ACE-related disorders.

Allele frequency attached by ClinVar (database versions not stated): gnomAD exomes 0.00010 and 0.00023; ExAC 0.00014; TOPMed 0.00014; ESP Exome Variant Server 0.00015; gnomAD 0.00015.
gnomAD v4.1: 183 of 1,613,976 alleles (0.011%); highest among the groups gnomAD compares: Non-Finnish European, 0.0019%; no homozygotes.

Submissions (3):

Labcorp Genetics (formerly Invitae), Labcorp
Classification: Benign. Last evaluated: 2025-12-06. Review status: criteria provided, single submitter. Criteria: Invitae Variant Classification Sherloc (09022015). Collection method: clinical testing. Allele origin: germline.

Illumina Laboratory Services, Illumina
Classification: Uncertain significance for Renal tubular dysgenesis of genetic origin. Last evaluated: 2018-01-12. Review status: criteria provided, single submitter. Criteria: ICSL Variant Classification Criteria 13 December 2019. Collection method: clinical testing. Allele origin: germline.

PreventionGenetics, part of Exact Sciences
Classification: Likely benign for ACE-related condition. Last evaluated: 2019-08-11. Review status: no assertion criteria provided. Collection method: clinical testing. Allele origin: germline. Not counted in ClinVar's aggregate classification.
Comment: This variant is classified as likely benign based on ACMG/AMP sequence variant interpretation guidelines (Richards et al. 2015 PMID: 25741868, with internal and published modifications).